The following is an entry in ClinVar:

ClinVar aggregate classification (germline): Uncertain significance. Review status: criteria provided, multiple submitters, no conflicts (2 of 4 stars). 2 submissions from 2 submitters: Uncertain significance (2). Last evaluated 2026-01-14.

Conditions:
Hypertrophic cardiomyopathy. Also called: HYPERTROPHIC MYOCARDIOPATHY. Identifiers: Orphanet 217569, MedGen C0007194, MeSH D002312, MONDO:0005045, HP:0001639.

Submissions (2):

Labcorp Genetics (formerly Invitae), Labcorp
Classification: Uncertain significance for Hypertrophic cardiomyopathy. Last evaluated: 2026-01-14. Review status: criteria provided, single submitter. Criteria: Invitae Variant Classification Sherloc (09022015). Collection method: clinical testing. Allele origin: germline.
Comment: This sequence change replaces leucine, which is neutral and non-polar, with phenylalanine, which is neutral and non-polar, at codon 105 of the MYOM1 protein (p.Leu105Phe). This variant is not present in population databases (gnomAD no frequency). This variant has not been reported in the literature in individuals affected with MYOM1-related conditions. ClinVar contains an entry for this variant (Variation ID: 410250). An algorithm developed to predict the effect of missense changes on protein structure and function (PolyPhen-2) suggests that this variant is likely to be tolerated. In summary, the available evidence is currently insufficient to determine the role of this variant in disease. Therefore, it has been classified as a Variant of Uncertain Significance.

Ambry Genetics
Classification: Uncertain significance. Last evaluated: 2025-06-09. Review status: criteria provided, single submitter. Criteria: Ambry Variant Classification Scheme 2023. Collection method: clinical testing. Allele origin: germline.
Comment: The p.L105F variant (also known as c.315A>C), located in coding exon 2 of the MYOM1 gene, results from an A to C substitution at nucleotide position 315. The leucine at codon 105 is replaced by phenylalanine, an amino acid with highly similar properties. This amino acid position is conserved. In addition, this alteration is predicted to be tolerated by in silico analysis. Based on the available evidence, the clinical significance of this variant remains unclear.

NM_003803.4(MYOM1):c.315A>C (p.Leu105Phe)

Gene: MYOM1 (myomesin 1; minus strand). Cytogenetic location: 18p11.31.
Variant type: single nucleotide variant.
Coding change: c.315A>C on transcript NM_003803.4 (MANE Select); coding-DNA position 315, A replaced by C.
Protein change: p.Leu105Phe; replaces leucine 105 with phenylalanine.
Molecular consequence: missense variant.
Genome position (GRCh38, 1-based): chr18:3,193,934, T>G on the plus strand (A>C on the coding strand, the complement: MYOM1 is on the minus strand). VCF-style: chr18-3193934-T-G. GRCh37 (hg19) VCF-style: chr18-3193932-T-G.
Other names: c.315A>C, p.Leu105Phe (NM_019856.2); short protein forms L105F.
Identifiers: ClinVar variation 410250 (VCV000410250.9), dbSNP rs991834729, ClinGen allele CA16615787.
Genomic context (GRCh38, chr18:3,193,934, plus strand): 5'-AGACAGTAGGCTGTGCTTGGCTCTCTTTGGTTTGGGGCTCAACTTGGATGAATAATCATC[T>G]AACAGCAGACTGGAATCTGTAAGTCTGAAATAAACCACCTAACATCAGACAGTAACAAAA-3'
Protein context (NP_003794.3, residues 95-115): SHGLTDSSLL[Leu105Phe]DDYSSKLSPK